The following is an entry in ClinVar:

NM_000492.4(CFTR):c.929TCT[2] (p.Phe312del)

Gene: CFTR (CF transmembrane conductance regulator; plus strand). Cytogenetic location: 7q31.2.
Variant type: Microsatellite.
Coding change: c.929TCT[2] on transcript NM_000492.4 (MANE Select); two copies in a row of the 3-base unit TCT starting at c.929; the reference has three copies in a row; one copy, 3 bases deleted; also written c.935_937del.
Protein change: p.Phe312del; deletes phenylalanine 312.
Molecular consequence: inframe deletion.
Genome position (GRCh38, 1-based): chr7:117,540,165-117,540,167, TCT deleted; deleting any 3 consecutive bases within chr7:117,540,157-117,540,167 gives the same sequence; the position shown is the placement nearest the transcript's 3' end. VCF-style (leftmost placement, unchanged base first): chr7-117540156-CCTT-C. GRCh37 (hg19) VCF-style: chr7-117180210-CCTT-C.
Other names: [delta]F311; c.935_937del (NM_000492.4); c.933_935delCTT (NM_000492.3); short protein forms F312del.
Identifiers: ClinVar variation 48704 (VCV000048704.57), dbSNP rs121908768, ClinGen allele CA221037.

ClinVar aggregate classification (germline): Pathogenic/Likely pathogenic. Review status: criteria provided, multiple submitters, no conflicts (2 of 4 stars). 18 submissions from 17 submitters: Pathogenic (12); Likely pathogenic (4). 2 of the submissions do not count toward it. Last evaluated 2026-01-24.

Conditions:
CFTR-related disorder (CFTR-RD). Also called: CFTR-related disorders; CFTR-related condition. Identifiers: MedGen C5924204, MONDO:7770004.
Cystic fibrosis (CF). Also called: MUCOVISCIDOSIS. Identifiers: Orphanet 586, MedGen C0010674, MONDO:0009061, OMIM 219700. Disease mechanism: loss of function.
Congenital bilateral aplasia of vas deferens from CFTR mutation (CBAVD). Identifiers: Orphanet 48, MedGen C0403814, MONDO:0010178, OMIM 277180. Disease mechanism: loss of function.
Hereditary pancreatitis (PCTT). Also called: Hereditary chronic pancreatitis; PRSS1-Related Hereditary Pancreatitis. Identifiers: Orphanet 676, MedGen C0238339, MONDO:0008185, OMIM 167800.
Bronchiectasis with or without elevated sweat chloride 1 (BESC1). Also called: Cystic Fibrosis-Like Syndrome. Identifiers: Orphanet 60033, MedGen C2749757, MONDO:0008887, OMIM 211400.

Submissions 1 to 11 of 18:

Labcorp Genetics (formerly Invitae), Labcorp
Classification: Pathogenic for Cystic fibrosis. Last evaluated: 2026-01-24. Review status: criteria provided, single submitter. Criteria: Invitae Variant Classification Sherloc (09022015). Collection method: clinical testing. Allele origin: germline.
Comment: This variant, c.935_937del, results in the deletion of 1 amino acid(s) of the CFTR protein (p.Phe312del), but otherwise preserves the integrity of the reading frame. This variant is present in population databases (rs758477732, gnomAD 0.04%), including at least one homozygous and/or hemizygous individual. This variant has been observed in individual(s) with cystic fibrosis (PMID: 7509232, 9443874, 16980811, 26098992). In at least one individual the data is consistent with being in trans (on the opposite chromosome) from a pathogenic variant. This variant is also known as deltaF311. ClinVar contains an entry for this variant (Variation ID: 48704). Experimental studies and prediction algorithms are not available or were not evaluated, and the functional significance of this variant is currently unknown. For these reasons, this variant has been classified as Pathogenic.

Genomic Medicine Center of Excellence, King Faisal Specialist Hospital and Research Centre
Classification: Pathogenic for Cystic fibrosis. Last evaluated: 2025-09-10. Review status: criteria provided, single submitter. Criteria: ACMG Guidelines, 2015. Collection method: clinical testing. Allele origin: germline.

Natera, Inc.
Classification: Pathogenic for CFTR-related disorders. Last evaluated: 2025-08-19. Review status: criteria provided, single submitter. Criteria: Natera Variant Classification Schema (03/2026). Collection method: clinical testing. Allele origin: germline.
Comment: The c.935_937delTCT variant in CFTR is an in-frame deletion predicted to remove phenylalanine at amino acid 312 while preserving the reading frame. This variant is rare in the general population with a frequency below the threshold expected for the associated phenotype(s). This variant has been observed in at least one unaffected individual, with a zygosity that is consistent with the inheritance pattern for the associated condition (in gnomAD and/or literature). This variant has been observed in one or more individuals affected with the associated recessive disease, as either homozygous or compound heterozygous with a second variant (PMID: 37477516, 35313924, 7509232, 26574590, 9443874, 16980811, 32630227). Computational prediction algorithms indicate this variant is likely to affect gene or protein function. Given the available evidence, this variant is classified as Pathogenic.

Ambry Genetics
Classification: Pathogenic for Cystic fibrosis. Last evaluated: 2025-03-31. Review status: criteria provided, single submitter. Criteria: Ambry Variant Classification Scheme 2023. Collection method: clinical testing. Allele origin: germline.
Comment: The c.935_937delTCT pathogenic mutation (also known as p.F312del) is located in coding exon 8 of the CFTR gene. This pathogenic mutation results from an in-frame TCT deletion at nucleotide positions 935 to 937. This results in the in-frame deletion of a phenylalanine at codon 312. In a meta-analysis of worldwide mutation incidence, this mutation was observed in 0.2% of all cystic fibrosis (CF) alleles, and in 2.0% of African American CF alleles (Bobadilla JL et al. Hum. Mutat. 2002;19(6):575-606). We have observed this mutation in either the homozygous or compound heterozygous state in CF patients in our clinical cohort. In addition, our internal structural analysis revealed that F312 is a part of the transmembrane loop 5 and loss of this residue results in disruptive shift of amino acids in the loop (Zhang Z et al. Cell, 2016 Dec;167:1586-1597.e9). Note, this variant is also referred to as c.933_935delCTT and deltaF311 in the literature. This amino acid position is highly conserved in available vertebrate species. Based on the supporting evidence, this alteration is interpreted as a disease-causing mutation.

ARUP Laboratories, Molecular Genetics and Genomics, ARUP Laboratories
Classification: Likely pathogenic for Cystic fibrosis; Bronchiectasis with or without elevated sweat chloride 1; Hereditary pancreatitis; Congenital bilateral aplasia of vas deferens from CFTR mutation. Last evaluated: 2025-03-24. Review status: criteria provided, single submitter. Criteria: ARUP Molecular Germline Variant Investigation Process 2024. Collection method: clinical testing. Allele origin: germline.
Comment: The CFTR c.935_937delTCT; p.Phe312del variant (rs121908768, ClinVar Variation ID: 48704), also known as F311del, is reported in the literature in the compound heterozygous state with a CF-causing variant or a mild variant in individuals affected with cystic fibrosis (CF), and also in an individual with congenital absence of the vas deferens (Ang 2023, Fang 2022, Friedman 1998, Kharrazi 2015, Meitinger 1993, Raraigh 2022, Xu 2023). In patients with another with a CF-causing variant, lung function is typically normal, sweat chloride levels are elevated, and pancreatic sufficiency is variable (CFTR2 database, Eastman 2024). This variant is found in the general population with an overall allele frequency of 0.008% (19/251076 alleles, including one homozygote) in the Genome Aggregation Database (v2.1.1). This variant deletes a single phenylalanine residue, leaving the rest of the protein in-frame. Based on available information including the phenotypic variability, the p.Phe312del variant is considered to be likely pathogenic with varying clinical consequences. References: Link to CFTR2 database: Ang B et al. Biliary Atresia and Rare Concurrent Cystic Fibrosis Variant: Case Report and Management Considerations. JPGN Rep. 2023 Jan 30;4(1):e285. PMID: 37181919. Fang J et al. Congenital absence of the vas deferens with hypospadias or without hypospadias: Phenotypic findings and genetic considerations. Front Genet. 2022 Nov 9;13:1035468. PMID: 36437957. Friedman K et al. Cystic fibrosis transmembrane-conductance regulator mutations among African Americans. Am J Hum Genet. 1998 62(1):195-6. PMID: 9443874. Kharrazi M et al. Newborn Screening for Cystic Fibrosis in California. Pediatrics. 2015 Dec;136(6):1062-72. PMID: 26574590. Meitinger T et al. In frame deletion (delta F311) within a short trinucleotide repeat of the first transmembrane region of the cystic fibrosis gene. Hum Mol Genet. 1993 2(12):2173-4. PMID: 7509232. Raraigh KS et ak. Complete CFTR gene sequencing in 5,058 individuals with cystic fibrosis informs variant-specific treatment. J Cyst Fibros. 2022 May;21(3):463-470. PMID: 34782259. Xu C et al. Clinical and genetic characteristics of children with cystic fibrosis in Henan China: A single-center retrospective analysis. Pediatr Pulmonol. 2023 Oct;58(10):2865-2870. PMID: 37477516.

Baylor Genetics
Classification: Pathogenic for Bronchiectasis with or without elevated sweat chloride 1. Last evaluated: 2024-03-19. Review status: criteria provided, single submitter. Criteria: ACMG Guidelines, 2015. Collection method: clinical testing. Allele origin: unknown.

Fulgent Genetics
Classification: Pathogenic for Hereditary pancreatitis; Bronchiectasis with or without elevated sweat chloride 1; Cystic fibrosis; Congenital bilateral aplasia of vas deferens from CFTR mutation. Last evaluated: 2024-03-15. Review status: criteria provided, single submitter. Criteria: ACMG Guidelines, 2015. Collection method: clinical testing. Allele origin: germline.

Blueprint Genetics
Classification: Pathogenic for CFTR-related disorders. Last evaluated: 2024-02-22. Review status: criteria provided, single submitter. Criteria: ACMG Guidelines, 2015. Collection method: clinical testing. Allele origin: germline. Affected: yes. Observed: 2 variant alleles.

Johns Hopkins Genomics, Johns Hopkins University
Classification: Likely pathogenic for Cystic fibrosis. Last evaluated: 2023-07-14. Review status: criteria provided, single submitter. Criteria: ACMG Guidelines, 2015. Collection method: clinical testing. Allele origin: germline.
Comment: CFTR variant associated with varying clinical consequence. See CFTR2 for phenotype information.

Mayo Clinic Laboratories, Mayo Clinic
Classification: Pathogenic. Last evaluated: 2022-11-15. Review status: criteria provided, single submitter. Criteria: ACMG Guidelines, 2015. Collection method: clinical testing. Allele origin: germline. Observed: 3 variant alleles.
Comment: PP5, PM3, PM4

Revvity Omics, Revvity
Classification: Likely pathogenic. Last evaluated: 2022-08-23. Review status: criteria provided, single submitter. Criteria: ACMG Guidelines, 2015. Collection method: clinical testing. Allele origin: germline.